The following is an entry in ClinVar:

ClinVar aggregate classification (germline): Conflicting classifications of pathogenicity. Review status: criteria provided, conflicting classifications (1 of 4 stars). 2 submissions from 2 submitters: Uncertain significance (1); Likely benign (1). Last evaluated 2024-12-16.

Allele frequency attached by ClinVar (database versions not stated): gnomAD exomes below 0.00001; TOPMed 0.00001.
gnomAD v4.1: 1 of 1,614,166 alleles (0.000062%); highest among the groups gnomAD compares: Non-Finnish European, 0.000085%; no homozygotes.

Submissions (2):

Labcorp Genetics (formerly Invitae), Labcorp
Classification: Uncertain significance. Last evaluated: 2024-12-16. Review status: criteria provided, single submitter. Criteria: Invitae Variant Classification Sherloc (09022015). Collection method: clinical testing. Allele origin: germline.
Comment: This sequence change replaces asparagine, which is neutral and polar, with lysine, which is basic and polar, at codon 533 of the PPM1D protein (p.Asn533Lys). This variant is not present in population databases (gnomAD no frequency). This variant has not been reported in the literature in individuals affected with PPM1D-related conditions. ClinVar contains an entry for this variant (Variation ID: 1690886). An algorithm developed to predict the effect of missense changes on protein structure and function (PolyPhen-2) suggests that this variant is likely to be tolerated. In summary, the available evidence is currently insufficient to determine the role of this variant in disease. Therefore, it has been classified as a Variant of Uncertain Significance.

Laboratorio de Genetica e Diagnostico Molecular, Hospital Israelita Albert Einstein
Classification: Likely benign. Last evaluated: 2020-06-02. Review status: criteria provided, single submitter. Criteria: ACMG Guidelines, 2015. Collection method: clinical testing. Allele origin: germline. Affected: yes.
Comment: ACMG classification criteria: PM2, BP1, BP4

NM_003620.4(PPM1D):c.1599C>G (p.Asn533Lys)

Gene: PPM1D (protein phosphatase, Mg2+/Mn2+ dependent 1D; plus strand). Cytogenetic location: 17q23.2.
Variant type: single nucleotide variant.
Coding change: c.1599C>G on transcript NM_003620.4 (MANE Select); coding-DNA position 1599, C replaced by G.
Protein change: p.Asn533Lys; replaces asparagine 533 with lysine.
Molecular consequence: missense variant.
Genome position (GRCh38, 1-based): chr17:60,663,333, C>G. VCF-style: chr17-60663333-C-G. GRCh37 (hg19) VCF-style: chr17-58740694-C-G.
Other names: short protein forms N533K.
Identifiers: ClinVar variation 1690886 (VCV001690886.7), dbSNP rs996571214, ClinGen allele CA292212547.